The following is an entry in ClinVar:

NM_005359.6(SMAD4):c.430_431del (p.Ser144fs)

Gene: SMAD4 (SMAD family member 4; plus strand). Cytogenetic location: 18q21.2.
Variant type: Microsatellite.
Coding change: c.430_431del on transcript NM_005359.6 (MANE Select); coding-DNA positions 430 to 431, 2 bases deleted (TC; older notation c.430_431delTC).
Protein change: p.Ser144fs; shifts the reading frame from serine 144.
Molecular consequence: frameshift variant.
Genome position (GRCh38, 1-based): chr18:51,049,300-51,049,301, TC deleted; deleting any 2 consecutive bases within chr18:51,049,296-51,049,301 gives the same sequence; the c. name uses the placement nearest the transcript's 3' end. VCF-style (leftmost placement, unchanged base first): chr18-51049295-ATC-A. GRCh37 (hg19) VCF-style: chr18-48575665-ATC-A.
Other names: c.430_431delTC (NM_005359.5); short protein forms S144fs.
Identifiers: ClinVar variation 24804 (VCV000024804.17), dbSNP rs377767328, ClinGen allele CA259173.

ClinVar aggregate classification (germline): Pathogenic. Review status: criteria provided, multiple submitters, no conflicts (2 of 4 stars). 4 submissions from 4 submitters: Pathogenic (4). Last evaluated 2025-11-18.

Conditions:
Hereditary cancer-predisposing syndrome. Also called: Hereditary neoplastic syndrome; Neoplastic Syndromes, Hereditary; Tumor predisposition; Hereditary Cancer Syndrome. Identifiers: Orphanet 140162, MedGen C0027672, MeSH D009386, MONDO:0015356.
Familial thoracic aortic aneurysm and aortic dissection (TAAD). Also called: Thoracic aortic aneurysms and dissections. Identifiers: Orphanet 91387, MedGen C4707243, MONDO:0019625.
Juvenile polyposis syndrome (JPS). Identifiers: Orphanet 2929, MedGen C0345893, MONDO:0017380, OMIM 174900.
Juvenile polyposis/hereditary hemorrhagic telangiectasia syndrome (JPHT). Also called: JP/HHT SYNDROME; JUVENILE POLYPOSIS WITH HEREDITARY HEMORRHAGIC TELANGIECTASIA; POLYPOSIS, GENERALIZED JUVENILE, WITH PULMONARY ARTERIOVENOUS MALFORMATION; TELANGIECTASIA, HEREDITARY HEMORRHAGIC, WITH JUVENILE POLYPOSIS COLI; Juvenile Polyposis Syndrome / Hereditary Hemorrhagic Telangiectasia (JPS/HHT). Identifiers: Orphanet 2929, MedGen C1832942, MONDO:0008278, OMIM 175050.

Submissions (4):

Labcorp Genetics (formerly Invitae), Labcorp
Classification: Pathogenic for Juvenile polyposis syndrome. Last evaluated: 2025-11-18. Review status: criteria provided, single submitter. Criteria: Invitae Variant Classification Sherloc (09022015). Collection method: clinical testing. Allele origin: germline.
Comment: This sequence change creates a premature translational stop signal (p.Ser144Argfs*7) in the SMAD4 gene. It is expected to result in an absent or disrupted protein product. Loss-of-function variants in SMAD4 are known to be pathogenic (PMID: 16152648, 16436638, 22810475). This variant is not present in population databases (gnomAD no frequency). This premature translational stop signal has been observed in individual(s) with juvenile polyposis syndrome and adenomatous polyposis (PMID: 16436638, 23399955). Invitae Evidence Modeling of clinical and family history, age, sex, and reported ancestry of multiple individuals with this SMAD4 variant has been performed. This variant is expected to be pathogenic with a positive predictive value of at least 99%. This is a validated machine learning model that incorporates the clinical features of 35,205 individuals referred to our laboratory for SMAD4 testing. ClinVar contains an entry for this variant (Variation ID: 24804). For these reasons, this variant has been classified as Pathogenic.

Myriad Genetics, Inc.
Classification: Pathogenic for Juvenile polyposis/hereditary hemorrhagic telangiectasia syndrome. Last evaluated: 2024-02-09. Review status: criteria provided, single submitter. Criteria: Myriad Autosomal Dominant, Autosomal Recessive and X-Linked Classification Criteria (2023). Collection method: clinical testing. Allele origin: unknown.
Comment: This variant is considered pathogenic. This variant creates a frameshift predicted to result in premature protein truncation.

GeneDx
Classification: Pathogenic. Last evaluated: 2023-12-05. Review status: criteria provided, single submitter. Criteria: GeneDx Variant Classification Process June 2021. Collection method: clinical testing. Allele origin: germline. Affected: yes.
Comment: Frameshift variant predicted to result in protein truncation or nonsense mediated decay in a gene for which loss of function is a known mechanism of disease; Not observed at significant frequency in large population cohorts (gnomAD); This variant is associated with the following publications: (PMID: 16436638, 23399955, 16152648, 22810475)

Ambry Genetics
Classification: Pathogenic for Familial thoracic aortic aneurysm and aortic dissection; Hereditary cancer-predisposing syndrome. Last evaluated: 2017-12-12. Review status: criteria provided, single submitter. Criteria: Ambry General Variant Classification Scheme_2022. Collection method: clinical testing. Allele origin: germline. Observed: 1 variant allele.
Comment: The c.430_431delTC pathogenic mutation, located in coding exon 3 of the SMAD4 gene, results from a deletion of two nucleotides at positions 430 and 431, causing a translational frameshift with a predicted alternate stop codon (p.S144Rfs*7). In addition to the clinical data presented in the literature, this alteration is expected to result in loss of function by premature protein truncation or nonsense-mediated mRNA decay. As such, this alteration is interpreted as a disease-causing mutation.

Literature cited by the submitters: PubMed 16152648 (cited by Labcorp Genetics (formerly Invitae), Labcorp); PubMed 16436638 (cited by Labcorp Genetics (formerly Invitae), Labcorp and Ambry Genetics); PubMed 22810475 (cited by Labcorp Genetics (formerly Invitae), Labcorp); PubMed 23399955 (cited by Labcorp Genetics (formerly Invitae), Labcorp).